The following is an entry in ClinVar:

ClinVar aggregate classification (germline): Uncertain significance. Review status: criteria provided, multiple submitters, no conflicts (2 of 4 stars). 2 submissions from 2 submitters: Uncertain significance (2). Last evaluated 2025-08-18.

Conditions:
Inborn genetic diseases. Identifiers: MedGen C0950123, MeSH D030342.

gnomAD v4.1: 6 of 1,483,588 alleles (0.0004%); highest among the groups gnomAD compares: African/African-American, 0.0014%; no homozygotes.

Submissions (2):

Labcorp Genetics (formerly Invitae), Labcorp
Classification: Uncertain significance. Last evaluated: 2025-08-18. Review status: criteria provided, single submitter. Criteria: Invitae Variant Classification Sherloc (09022015). Collection method: clinical testing. Allele origin: germline.
Comment: This sequence change replaces leucine, which is neutral and non-polar, with valine, which is neutral and non-polar, at codon 38 of the FLVCR1 protein (p.Leu38Val). This variant is present in population databases (no rsID available, gnomAD 0.01%). This variant has not been reported in the literature in individuals affected with FLVCR1-related conditions. ClinVar contains an entry for this variant (Variation ID: 1003452). An algorithm developed to predict the effect of missense changes on protein structure and function (PolyPhen-2) suggests that this variant is likely to be tolerated. In summary, the available evidence is currently insufficient to determine the role of this variant in disease. Therefore, it has been classified as a Variant of Uncertain Significance.

Ambry Genetics
Classification: Uncertain significance for Inborn genetic diseases. Last evaluated: 2024-04-08. Review status: criteria provided, single submitter. Criteria: Ambry Variant Classification Scheme 2023. Collection method: clinical testing. Allele origin: germline.

NM_014053.4(FLVCR1):c.112C>G (p.Leu38Val)

Genes: FLVCR1 (FLVCR choline and heme transporter 1; plus strand), LOC129932486 (ATAC-STARR-seq lymphoblastoid silent region 1807; plus strand). Cytogenetic location: 1q32.3.
Variant type: single nucleotide variant.
Coding change: c.112C>G on transcript NM_014053.4 (MANE Select); coding-DNA position 112, C replaced by G.
Protein change: p.Leu38Val; replaces leucine 38 with valine.
Molecular consequence: missense variant.
Genome position (GRCh38, 1-based): chr1:212,858,564, C>G. VCF-style: chr1-212858564-C-G. GRCh37 (hg19) VCF-style: chr1-213031906-C-G.
Other names: c.112C>G (NM_014053.3); short protein forms L38V.
Identifiers: ClinVar variation 1003452 (VCV001003452.10), dbSNP rs1181313339, ClinGen allele CA344795259.